The following is an entry in ClinVar:

NM_005045.4(RELN):c.3589T>C (p.Phe1197Leu)

Gene: RELN (reelin; minus strand). Cytogenetic location: 7q22.1.
Variant type: single nucleotide variant.
Coding change: c.3589T>C on transcript NM_005045.4 (MANE Select); coding-DNA position 3589, T replaced by C.
Protein change: p.Phe1197Leu; replaces phenylalanine 1197 with leucine.
Molecular consequence: missense variant.
Genome position (GRCh38, 1-based): chr7:103,594,443, A>G on the plus strand (T>C on the coding strand, the complement: RELN is on the minus strand). VCF-style: chr7-103594443-A-G. GRCh37 (hg19) VCF-style: chr7-103234890-A-G.
Other names: c.3589T>C, p.Phe1197Leu (NM_173054.3); short protein forms F1197L.
Identifiers: ClinVar variation 5002902 (VCV005002902.1).

ClinVar aggregate classification (germline): Uncertain significance (1 of 4 stars; one submission).

Conditions:
Familial temporal lobe epilepsy 7. Identifiers: Orphanet 101046, MedGen C4225327, MONDO:0014639, OMIM 616436.

Submission:

OLLIN Analises Genomicas, OLLIN
Classification: Uncertain significance for Familial temporal lobe epilepsy 7. Last evaluated: 2026-08-06. Review status: criteria provided, single submitter. Criteria: ACMG Guidelines 2015 PMID 25741868. Collection method: clinical testing. Allele origin: germline. Inheritance: Autosomal recessive inheritance.
Comment: This missense variant, located in exon 26 (of 65), is absent from gnomAD and ClinVar and has not been identified in the literature. In silico analysis predicts that this variant has a tolerated effect. According to the currently available evidence, this variant has been classified as uncertain significance (PM2_P, BP4_M).